The following is an entry in ClinVar:

ClinVar aggregate classification (germline): Likely benign (1 of 4 stars; one submission).

Submission:

CeGaT Center for Human Genetics Tuebingen
Classification: Likely benign. Last evaluated: 2025-12-01. Review status: criteria provided, single submitter. Criteria: CeGaT Center For Human Genetics Tuebingen Variant Classification Criteria Version 2. Collection method: clinical testing. Allele origin: germline. Affected: yes. Observed: 1 variant allele.
Comment: BRF1: PM2:Supporting, BP4, BP7

NM_001519.4(BRF1):c.*939A>C

Gene: BRF1 (BRF1 general transcription factor IIIB subunit; minus strand). Cytogenetic location: 14q32.33.
Variant type: single nucleotide variant.
Coding change: c.*939A>C on transcript NM_001519.4 (MANE Select); 939 bases downstream of the stop codon, A replaced by C.
Molecular consequence: 3 prime UTR variant.
Genome position (GRCh38, 1-based): chr14:105,209,612, T>G on the plus strand (A>C on the coding strand, the complement: BRF1 is on the minus strand). VCF-style: chr14-105209612-T-G. GRCh37 (hg19) VCF-style: chr14-105675949-T-G.
Other names: c.*939A>C (NM_001440451.1, NM_001440452.1, NM_001440453.1 and 8 more transcripts).
Identifiers: ClinVar variation 4822797 (VCV004822797.4).
Genomic context (GRCh38, chr14:105,209,612, plus strand): 5'-CAGCCATGCCAGAGCTGAGACCTCCTACGAGTGGTACTGGGGCCTTCCCACGAAGAGGCC[T>G]GGGGAGGCTCTCGGGCCTCCGTCTGCCCTCCCTCCTCGATGGGGGGCCTGATCCAGCTCT-3'